The following is an entry in ClinVar:

NM_004415.4(DSP):c.5171T>C (p.Leu1724Pro)

Gene: DSP (desmoplakin; plus strand). Cytogenetic location: 6p24.3.
Variant type: single nucleotide variant.
Coding change: c.5171T>C on transcript NM_004415.4 (MANE Select); coding-DNA position 5171, T replaced by C.
Protein change: p.Leu1724Pro; replaces leucine 1724 with proline.
Molecular consequence: missense variant. On other transcripts: intron variant (2).
Genome position (GRCh38, 1-based): chr6:7,581,361, T>C. VCF-style: chr6-7581361-T-C. GRCh37 (hg19) VCF-style: chr6-7581594-T-C.
Other names: c.4050+1121T>C (NM_001319034.2); c.3583-1281T>C (NM_001008844.3); short protein forms L1724P.
Identifiers: ClinVar variation 1405649 (VCV001405649.6), dbSNP rs2113695726, ClinGen allele CA362688016.

ClinVar aggregate classification (germline): Uncertain significance (1 of 4 stars; one submission).

Conditions:
Arrhythmogenic cardiomyopathy with wooly hair and keratoderma. Also called: Dilated cardiomyopathy with woolly hair and keratoderma; PALMOPLANTAR KERATODERMA WITH LEFT VENTRICULAR CARDIOMYOPATHY AND WOOLLY HAIR; Carvajal syndrome; Arrhythmogenic cardiomyopathy with woolly hair and keratoderma. Identifiers: Orphanet 65282, MedGen C1854063, MONDO:0011581, OMIM 605676.
Arrhythmogenic right ventricular dysplasia 8 (ARVD8). Also called: Arrhythmogenic Right Ventricular Dysplasia/Cardiomyopathy 8; ARRHYTHMOGENIC RIGHT VENTRICULAR DYSPLASIA, FAMILIAL, 8; ARRHYTHMOGENIC RIGHT VENTRICULAR CARDIOMYOPATHY 8. Identifiers: MedGen C1843896, MONDO:0011831, OMIM 607450.

Submission:

Labcorp Genetics (formerly Invitae), Labcorp
Classification: Uncertain significance for Arrhythmogenic cardiomyopathy with wooly hair and keratoderma; Arrhythmogenic right ventricular dysplasia 8. Last evaluated: 2021-09-15. Review status: criteria provided, single submitter. Criteria: Invitae Variant Classification Sherloc (09022015). Collection method: clinical testing. Allele origin: germline.
Comment: In summary, the available evidence is currently insufficient to determine the role of this variant in disease. Therefore, it has been classified as a Variant of Uncertain Significance. Algorithms developed to predict the effect of missense changes on protein structure and function (SIFT, PolyPhen-2, Align-GVGD) all suggest that this variant is likely to be disruptive. This variant has not been reported in the literature in individuals affected with DSP-related conditions. This variant is not present in population databases (ExAC no frequency). This sequence change replaces leucine with proline at codon 1724 of the DSP protein (p.Leu1724Pro). The leucine residue is highly conserved and there is a moderate physicochemical difference between leucine and proline.